The following is an entry in ClinVar:

ClinVar aggregate classification (germline): Pathogenic (1 of 4 stars; one submission).

Conditions:
Cystic fibrosis (CF). Also called: MUCOVISCIDOSIS. Identifiers: Orphanet 586, MedGen C0010674, MONDO:0009061, OMIM 219700. Disease mechanism: loss of function.

Submission:

Labcorp Genetics (formerly Invitae), Labcorp
Classification: Pathogenic for Cystic fibrosis. Last evaluated: 2022-09-19. Review status: criteria provided, single submitter. Criteria: Invitae Variant Classification Sherloc (09022015). Collection method: clinical testing. Allele origin: germline.
Comment: For these reasons, this variant has been classified as Pathogenic. This variant has not been reported in the literature in individuals affected with CFTR-related conditions. This variant is not present in population databases (gnomAD no frequency). This sequence change creates a premature translational stop signal (p.Met1191Asnfs*4) in the CFTR gene. It is expected to result in an absent or disrupted protein product. Loss-of-function variants in CFTR are known to be pathogenic (PMID: 1695717, 7691345, 9725922).

Literature cited by the submitters: PubMed 1695717; PubMed 7691345; PubMed 9725922.

NM_000492.4(CFTR):c.3571dup (p.Met1191fs)

Genes: CFTR (CF transmembrane conductance regulator; plus strand), CFTR-AS2 (CFTR antisense RNA 2; minus strand). Cytogenetic location: 7q31.2.
Variant type: Duplication.
Coding change: c.3571dup on transcript NM_000492.4 (MANE Select); coding-DNA position 3571, one base duplicated (A; older notation c.3571dupA).
Protein change: p.Met1191fs; shifts the reading frame from methionine 1191.
Molecular consequence: frameshift variant.
Genome position (GRCh38, 1-based): chr7:117,627,624, A duplicated. VCF-style (leftmost placement, unchanged base first): chr7-117627623-T-TA. GRCh37 (hg19) VCF-style: chr7-117267677-T-TA.
Other names: short protein forms M1191fs.
Identifiers: ClinVar variation 2133838 (VCV002133838.4), dbSNP rs2485146310, ClinGen allele CA2580076340.